The following is an entry in ClinVar:

NM_000824.5(GLRB):c.1339G>A (p.Gly447Arg)

Gene: GLRB (glycine receptor beta; plus strand). Cytogenetic location: 4q32.1.
Variant type: single nucleotide variant.
Coding change: c.1339G>A on transcript NM_000824.5 (MANE Select); coding-DNA position 1339, G replaced by A.
Protein change: p.Gly447Arg; replaces glycine 447 with arginine.
Molecular consequence: missense variant. On other transcripts: 3 prime UTR variant (1).
Genome position (GRCh38, 1-based): chr4:157,170,573, G>A. VCF-style: chr4-157170573-G-A. GRCh37 (hg19) VCF-style: chr4-158091725-G-A.
Other names: c.1339G>A, p.Gly447Arg (NM_001166060.2); c.*134G>A (NM_001166061.2); c.1339G>A (NM_000824.4); short protein forms G447R.
Identifiers: ClinVar variation 1350523 (VCV001350523.6), dbSNP rs765649743, ClinGen allele CA3120001.

ClinVar aggregate classification (germline): Uncertain significance. Review status: criteria provided, multiple submitters, no conflicts (2 of 4 stars). 3 submissions from 3 submitters: Uncertain significance (3). Last evaluated 2025-08-23.

Conditions:
Inborn genetic diseases. Identifiers: MedGen C0950123, MeSH D030342.
Hyperekplexia 2 (HKPX2). Identifiers: Orphanet 3197, MedGen C3553291, MONDO:0013828, OMIM 614619.

Allele frequency attached by ClinVar (database versions not stated): gnomAD 0.00001; TOPMed 0.00001; gnomAD exomes 0.00004 and 0.00006; ExAC 0.00006.
gnomAD v4.1: 56 of 1,613,326 alleles (0.0035%); highest among the groups gnomAD compares: South Asian, 0.043%; no homozygotes.

Submissions (3):

Ambry Genetics
Classification: Uncertain significance for Inborn genetic diseases. Last evaluated: 2025-08-23. Review status: criteria provided, single submitter. Criteria: Ambry Variant Classification Scheme 2023. Collection method: clinical testing. Allele origin: germline.

Labcorp Genetics (formerly Invitae), Labcorp
Classification: Uncertain significance for Hyperekplexia 2. Last evaluated: 2022-05-12. Review status: criteria provided, single submitter. Criteria: Invitae Variant Classification Sherloc (09022015). Collection method: clinical testing. Allele origin: germline.
Comment: This sequence change replaces glycine, which is neutral and non-polar, with arginine, which is basic and polar, at codon 447 of the GLRB protein (p.Gly447Arg). This variant is present in population databases (rs765649743, gnomAD 0.03%). This variant has not been reported in the literature in individuals affected with GLRB-related conditions. Advanced modeling of protein sequence and biophysical properties (such as structural, functional, and spatial information, amino acid conservation, physicochemical variation, residue mobility, and thermodynamic stability) performed at Invitae indicates that this missense variant is not expected to disrupt GLRB protein function. In summary, the available evidence is currently insufficient to determine the role of this variant in disease. Therefore, it has been classified as a Variant of Uncertain Significance.

Breakthrough Genomics
Classification: Uncertain significance. Review status: criteria provided, single submitter. Criteria: ACMG Guidelines, 2015. Collection method: not provided. Allele origin: germline. Inheritance: Autosomal recessive inheritance. Affected: yes.